The following is an entry in ClinVar:

NM_015057.5(MYCBP2):c.6739G>C (p.Val2247Leu)

Gene: MYCBP2 (MYC binding protein 2; minus strand). Cytogenetic location: 13q22.3.
Variant type: single nucleotide variant.
Coding change: c.6739G>C on transcript NM_015057.5 (MANE Select); coding-DNA position 6739, G replaced by C.
Protein change: p.Val2247Leu; replaces valine 2247 with leucine.
Molecular consequence: missense variant.
Genome position (GRCh38, 1-based): chr13:77,157,968, C>G on the plus strand (G>C on the coding strand, the complement: MYCBP2 is on the minus strand). VCF-style: chr13-77157968-C-G. GRCh37 (hg19) VCF-style: chr13-77732103-C-G.
Other names: short protein forms V2247L.
Identifiers: ClinVar variation 4975810 (VCV004975810.1).

ClinVar aggregate classification (germline): Uncertain significance (1 of 4 stars; one submission).

Submission:

GeneDx
Classification: Uncertain significance. Last evaluated: 2026-01-28. Review status: criteria provided, single submitter. Criteria: GeneDx Variant Classification Process June 2021. Collection method: clinical testing. Allele origin: germline.
Comment: Not observed at significant frequency in large population cohorts (gnomAD); In silico analysis suggests that this missense variant does not alter protein structure/function; Has not been previously published as pathogenic or benign to our knowledge